The following is an entry in ClinVar:

ClinVar aggregate classification (germline): Uncertain significance (1 of 4 stars; one submission).

Conditions:
Asphyxiating thoracic dystrophy 5 (SRTD5). Also called: SHORT-RIB THORACIC DYSPLASIA 5 WITH OR WITHOUT POLYDACTYLY; SHORT-RIB THORACIC DYSPLASIA 5 WITHOUT POLYDACTYLY. Identifiers: Orphanet 474, MedGen C3280598, MONDO:0013717, OMIM 614376.
Senior-Loken syndrome 8 (SLSN8). Identifiers: Orphanet 3156, MedGen C4225376, MONDO:0014579, OMIM 616307.

Allele frequency attached by ClinVar (database versions not stated): TOPMed 0.00001.
gnomAD v4.1: 2 of 1,612,018 alleles (0.00012%); no homozygotes.

Submission:

Labcorp Genetics (formerly Invitae), Labcorp
Classification: Uncertain significance for Senior-Loken syndrome 8; Asphyxiating thoracic dystrophy 5. Last evaluated: 2021-06-02. Review status: criteria provided, single submitter. Criteria: Invitae Variant Classification Sherloc (09022015). Collection method: clinical testing. Allele origin: germline.
Comment: In summary, the available evidence is currently insufficient to determine the role of this variant in disease. Therefore, it has been classified as a Variant of Uncertain Significance. Algorithms developed to predict the effect of missense changes on protein structure and function (SIFT, PolyPhen-2, Align-GVGD) all suggest that this variant is likely to be tolerated, but these predictions have not been confirmed by published functional studies and their clinical significance is uncertain. This variant has not been reported in the literature in individuals with WDR19-related conditions. This variant is not present in population databases (ExAC no frequency). This sequence change replaces asparagine with isoleucine at codon 1309 of the WDR19 protein (p.Asn1309Ile). The asparagine residue is moderately conserved and there is a large physicochemical difference between asparagine and isoleucine.

NM_025132.4(WDR19):c.3926A>T (p.Asn1309Ile)

Gene: WDR19 (WD repeat domain 19; plus strand). Cytogenetic location: 4p14.
Variant type: single nucleotide variant.
Coding change: c.3926A>T on transcript NM_025132.4 (MANE Select); coding-DNA position 3926, A replaced by T.
Protein change: p.Asn1309Ile; replaces asparagine 1309 with isoleucine.
Molecular consequence: missense variant.
Genome position (GRCh38, 1-based): chr4:39,278,547, A>T. VCF-style: chr4-39278547-A-T. GRCh37 (hg19) VCF-style: chr4-39280167-A-T.
Other names: c.3446A>T, p.Asn1149Ile (NM_001317924.2); short protein forms N1309I, N1149I.
Identifiers: ClinVar variation 1480758 (VCV001480758.8), dbSNP rs1736142058, ClinGen allele CA356654058.
Genomic context (GRCh38, chr4:39,278,547, plus strand): 5'-CTAAAGGAATGTTATATATTTAATTTACTCTGCCTTTCCCTCCCCTAAACAGCATGCTAA[A>T]CACTGAAAGCACATGTCCTATGTGTTCAGAAAGATTAAACGCTGCTCAGCTGAAAAAGAT-3'
Protein context (NP_079408.3, residues 1299-1319): ALYSELKIML[Asn1309Ile]TESTCPMCSE